The following is an entry in ClinVar:

NM_004006.3(DMD):c.847G>T (p.Ala283Ser)

Gene: DMD (dystrophin; minus strand). Cytogenetic location: Xp21.1.
Variant type: single nucleotide variant.
Coding change: c.847G>T on transcript NM_004006.3 (MANE Select); coding-DNA position 847, G replaced by T.
Protein change: p.Ala283Ser; replaces alanine 283 with serine.
Molecular consequence: missense variant.
Genome position (GRCh38, 1-based): chrX:32,697,983, C>A on the plus strand (G>T on the coding strand, the complement: DMD is on the minus strand). VCF-style: chrX-32697983-C-A. GRCh37 (hg19) VCF-style: chrX-32716100-C-A.
Other names: c.823G>T, p.Ala275Ser (NM_000109.4); c.835G>T, p.Ala279Ser (NM_004009.3); c.478G>T, p.Ala160Ser (NM_004010.3); short protein forms A160S, A283S, A279S, A275S.
Identifiers: ClinVar variation 1896979 (VCV001896979.4), dbSNP rs2063779396, ClinGen allele CA412668735.
Genomic context (GRCh38, chrX:32,697,983, plus strand): 5'-GTGTGTAGGCATAGCTCTTGAATCGAGGCTTAGGGGAAGAAGTTCTCTCATATCCCTGTG[C>A]TAGACTGACCGTGATCTGCAGAGAAGGGTTTGGGGGAGTGGATAGAGAGGAGGGGGAAAA-3'
Protein context (NP_003997.2, residues 273-293): HYSQQITVSL[Ala283Ser]QGYERTSSPK

ClinVar aggregate classification (germline): Uncertain significance (1 of 4 stars; one submission).

Conditions:
Duchenne muscular dystrophy (DMD). Also called: MUSCULAR DYSTROPHY, PSEUDOHYPERTROPHIC PROGRESSIVE, DUCHENNE TYPE; Duchenne Muscular Dystrophy (DMD). Identifiers: Orphanet 98896, MedGen C0013264, MONDO:0010679, OMIM 310200.

Allele frequency attached by ClinVar (database versions not stated): gnomAD 0.00001.
gnomAD v4.1: 1 of 1,193,773 alleles (0.000084%); highest among the groups gnomAD compares: East Asian, 0.003%; no homozygotes.

Submission:

Labcorp Genetics (formerly Invitae), Labcorp
Classification: Uncertain significance for Duchenne muscular dystrophy. Last evaluated: 2025-11-24. Review status: criteria provided, single submitter. Criteria: Invitae Variant Classification Sherloc (09022015). Collection method: clinical testing. Allele origin: germline.
Comment: This sequence change replaces alanine, which is neutral and non-polar, with serine, which is neutral and polar, at codon 283 of the DMD protein (p.Ala283Ser). This variant is not present in population databases (gnomAD no frequency). This variant has not been reported in the literature in individuals affected with DMD-related conditions. ClinVar contains an entry for this variant (Variation ID: 1896979). Invitae Evidence Modeling of protein sequence and biophysical properties (such as structural, functional, and spatial information, amino acid conservation, physicochemical variation, residue mobility, and thermodynamic stability) indicates that this missense variant is not expected to disrupt DMD protein function with a negative predictive value of 95%. In summary, the available evidence is currently insufficient to determine the role of this variant in disease. Therefore, it has been classified as a Variant of Uncertain Significance.